The following is an entry in ClinVar:

NM_032444.4(SLX4):c.2098G>A (p.Gly700Arg)

Gene: SLX4 (SLX4 structure-specific endonuclease subunit; minus strand). Cytogenetic location: 16p13.3.
Variant type: single nucleotide variant.
Coding change: c.2098G>A on transcript NM_032444.4 (MANE Select); coding-DNA position 2098, G replaced by A.
Protein change: p.Gly700Arg; replaces glycine 700 with arginine.
Molecular consequence: missense variant.
Genome position (GRCh38, 1-based): chr16:3,594,515, C>T on the plus strand (G>A on the coding strand, the complement: SLX4 is on the minus strand). VCF-style: chr16-3594515-C-T. GRCh37 (hg19) VCF-style: chr16-3644516-C-T.
Other names: short protein forms G700R.
Identifiers: ClinVar variation 3340177 (VCV003340177.3).

ClinVar aggregate classification (germline): Uncertain significance. Review status: criteria provided, multiple submitters, no conflicts (2 of 4 stars). 3 submissions from 3 submitters: Uncertain significance (3). Last evaluated 2024-09-22.

Conditions:
Fanconi anemia complementation group P. Also called: SLX4-Related Fanconi Anemia. Identifiers: Orphanet 84, MedGen C3469542, MONDO:0013499, OMIM 613951.
Fanconi anemia (FA). Also called: Fanconi's anemia. Identifiers: Orphanet 84, MedGen C0015625, MeSH D005199, MONDO:0019391.

gnomAD v4.1: 7 of 1,614,156 alleles (0.00043%); highest among the groups gnomAD compares: East Asian, 0.0022%; no homozygotes.

Submissions (3):

Labcorp Genetics (formerly Invitae), Labcorp
Classification: Uncertain significance for Fanconi anemia. Last evaluated: 2024-09-22. Review status: criteria provided, single submitter. Criteria: Invitae Variant Classification Sherloc (09022015). Collection method: clinical testing. Allele origin: germline.
Comment: This sequence change replaces glycine, which is neutral and non-polar, with arginine, which is basic and polar, at codon 700 of the SLX4 protein (p.Gly700Arg). This variant is present in population databases (no rsID available, gnomAD 0.003%). This missense change has been observed in individual(s) with breast cancer (PMID: 21805310). An algorithm developed to predict the effect of missense changes on protein structure and function (PolyPhen-2) suggests that this variant is likely to be disruptive. In summary, the available evidence is currently insufficient to determine the role of this variant in disease. Therefore, it has been classified as a Variant of Uncertain Significance.

Fulgent Genetics
Classification: Uncertain significance for Fanconi anemia complementation group P. Last evaluated: 2024-06-07. Review status: criteria provided, single submitter. Criteria: ACMG Guidelines, 2015. Collection method: clinical testing. Allele origin: germline.

GeneDx
Classification: Uncertain significance. Last evaluated: 2023-10-10. Review status: criteria provided, single submitter. Criteria: GeneDx Variant Classification Process June 2021. Collection method: clinical testing. Allele origin: germline. Affected: yes.
Comment: Reported as a single heterozygous variant in an individual with familial breast cancer (Landwehr et al., 2011); In silico analysis supports that this missense variant has a deleterious effect on protein structure/function; This variant is associated with the following publications: (PMID: 21805310)

Literature cited by the submitters: PubMed 21805310 (cited by Labcorp Genetics (formerly Invitae), Labcorp).